The following is an entry in ClinVar:

NM_000404.4(GLB1):c.569G>A (p.Gly190Asp)

Gene: GLB1 (galactosidase beta 1; minus strand). Cytogenetic location: 3p22.3.
Variant type: single nucleotide variant.
Coding change: c.569G>A on transcript NM_000404.4 (MANE Select); coding-DNA position 569, G replaced by A.
Protein change: p.Gly190Asp; replaces glycine 190 with aspartic acid.
Molecular consequence: missense variant. On other transcripts: intron variant (1).
Genome position (GRCh38, 1-based): chr3:33,058,253, C>T on the plus strand (G>A on the coding strand, the complement: GLB1 is on the minus strand). VCF-style: chr3-33058253-C-T. GRCh37 (hg19) VCF-style: chr3-33099745-C-T.
Other names: c.569G>A (NM_000404.3); c.479G>A, p.Gly160Asp (NM_001079811.3); c.713G>A, p.Gly238Asp (NM_001317040.2); c.569G>A, p.Gly190Asp (NM_001393580.1); c.341-4704G>A (NM_001135602.3); short protein forms G238D, G160D, G190D.
Identifiers: ClinVar variation 1353182 (VCV001353182.13), dbSNP rs756575833, ClinGen allele CA2299649.

ClinVar aggregate classification (germline): Pathogenic/Likely pathogenic. Review status: criteria provided, multiple submitters, no conflicts (2 of 4 stars). 5 submissions from 5 submitters: Pathogenic (3); Likely pathogenic (2). Last evaluated 2024-09-13.

Conditions:
Mucopolysaccharidosis, MPS-IV-B (MPS4B). Also called: MORQUIO SYNDROME B; Mucopolysaccharidosis type IV B; Mucopolysaccharidosis type 4B; Mucopolysaccharidosis Type IVB; Mucopolysaccharidosis Type IVB (Morquio B Disease); Mucopolysaccharidosis type IVB (Morquio). Identifiers: Orphanet 309310, Orphanet 582, MedGen C0086652, MONDO:0009660, OMIM 253010.
Infantile GM1 gangliosidosis. Also called: GM1-gangliosidosis, type I; Gangliosidosis, generalized GM1, infantile form; GLB1 deficiency; GM1 gangliosidosis type 1; Gangliosidosis, Generalized GM1, Type 1. Identifiers: Orphanet 354, Orphanet 79255, MedGen C0268271, MONDO:0009260, OMIM 230500.
GLB1-related disorder. Also called: GLB1-related disorders. Identifiers: MedGen CN377807.
GM1 gangliosidosis. Identifiers: Orphanet 354, MedGen C0085131, MONDO:0018149.

Allele frequency attached by ClinVar (database versions not stated): gnomAD 0.00001; gnomAD exomes 0.00001 and 0.00002; TOPMed 0.00001; ExAC 0.00003.
gnomAD v4.1: 8 of 1,613,958 alleles (0.0005%); highest among the groups gnomAD compares: South Asian, 0.0044%; no homozygotes.

Submissions (5):

Women's Health and Genetics/Laboratory Corporation of America, LabCorp
Classification: Pathogenic for Mucopolysaccharidosis, MPS-IV-B. Last evaluated: 2024-09-13. Review status: criteria provided, single submitter. Criteria: LabCorp Variant Classification Summary - May 2015. Collection method: clinical testing. Allele origin: germline.
Comment: Variant summary: GLB1 c.569G>A (p.Gly190Asp) results in a non-conservative amino acid change in the encoded protein sequence. Five of five in-silico tools predict a damaging effect of the variant on protein function. The variant allele was found at a frequency of 1.6e-05 in 248390 control chromosomes (gnomAD). c.569G>A has been reported in the literature in homozygous- and compound heterozygous state in individuals affected with GM1 gangliosidosis (e.g. Hofer_2009, Celtikci_2012). These data indicate that the variant is likely to be associated with disease. At least one publication reported experimental evidence evaluating an impact on protein function, and demonstrated severe decrease in enzyme activity, corresponding to ~3.4% of the normal (Hofer_2009). The following publications have been ascertained in the context of this evaluation (PMID: 19472408, 22234367). ClinVar contains an entry for this variant (Variation ID: 1353182). Based on the evidence outlined above, the variant was classified as pathogenic.

Blueprint Genetics
Classification: Pathogenic for GLB1-related disorders. Last evaluated: 2024-06-12. Review status: criteria provided, single submitter. Criteria: ACMG Guidelines, 2015. Collection method: clinical testing. Allele origin: germline. Affected: yes. Observed: 1 variant allele.

Natera, Inc.
Classification: Likely pathogenic for Mucopolysaccharidosis, MPS-IV-B. Last evaluated: 2024-05-15. Review status: criteria provided, single submitter. Criteria: Natera Variant Classification Schema (03/2026). Collection method: clinical testing. Allele origin: germline.
Comment: The c.569G>A variant in GLB1 is a missense variant predicted to cause substitution of glycine to aspartic acid at amino acid 190. This variant is rare in the general population with a frequency below the threshold expected for the associated phenotype(s). This variant has been observed in one or more individuals affected with the associated recessive disease, as either homozygous or compound heterozygous with a second variant (PMID: 21520340, 33737400). Functional studies show that this variant may disrupt protein function (PMID: 21520340, 33737400, 19472408). Computational prediction algorithms indicate this variant is likely to affect gene or protein function. Given the available evidence, this variant is classified as Likely Pathogenic.

Labcorp Genetics (formerly Invitae), Labcorp
Classification: Pathogenic for Mucopolysaccharidosis, MPS-IV-B; GM1 gangliosidosis. Last evaluated: 2024-03-12. Review status: criteria provided, single submitter. Criteria: Invitae Variant Classification Sherloc (09022015). Collection method: clinical testing. Allele origin: germline.
Comment: This sequence change replaces glycine, which is neutral and non-polar, with aspartic acid, which is acidic and polar, at codon 190 of the GLB1 protein (p.Gly190Asp). This variant is present in population databases (rs756575833, gnomAD 0.006%). This missense change has been observed in individual(s) with GM1 gangliosidosis (PMID: 19472408, 22234367). ClinVar contains an entry for this variant (Variation ID: 1353182). Advanced modeling of protein sequence and biophysical properties (such as structural, functional, and spatial information, amino acid conservation, physicochemical variation, residue mobility, and thermodynamic stability) performed at Invitae indicates that this missense variant is expected to disrupt GLB1 protein function with a positive predictive value of 95%. Experimental studies have shown that this missense change affects GLB1 function (PMID: 19472408). For these reasons, this variant has been classified as Pathogenic.

MGZ Medical Genetics Center
Classification: Likely pathogenic for Infantile GM1 gangliosidosis. Last evaluated: 2021-08-17. Review status: criteria provided, single submitter. Criteria: ACMG Guidelines, 2015. Collection method: clinical testing. Allele origin: germline. Affected: yes. Observed: 1 variant allele.
Comment: ACMG criteria applied: PP4_STR, PM2_SUP, PP2, PP3

Literature cited by the submitters: PubMed 19472408 (cited by 3 submitters); PubMed 22234367 (cited by Women's Health and Genetics/Laboratory Corporation of America, LabCorp and Labcorp Genetics (formerly Invitae), Labcorp); PubMed 21520340 (cited by Natera, Inc.); PubMed 33737400 (cited by Natera, Inc.).